The following is an entry in ClinVar:

NM_014014.5(SNRNP200):c.1585G>A (p.Gly529Ser)

Gene: SNRNP200 (small nuclear ribonucleoprotein U5 subunit 200; minus strand). Cytogenetic location: 2q11.2.
Variant type: single nucleotide variant.
Coding change: c.1585G>A on transcript NM_014014.5 (MANE Select); coding-DNA position 1585, G replaced by A.
Protein change: p.Gly529Ser; replaces glycine 529 with serine.
Molecular consequence: missense variant.
Genome position (GRCh38, 1-based): chr2:96,296,622, C>T on the plus strand (G>A on the coding strand, the complement: SNRNP200 is on the minus strand). VCF-style: chr2-96296622-C-T. GRCh37 (hg19) VCF-style: chr2-96962360-C-T.
Other names: short protein forms G529S.
Identifiers: ClinVar variation 2345367 (VCV002345367.4), dbSNP rs1431840074, ClinGen allele CA347682152.

ClinVar aggregate classification (germline): Uncertain significance. Review status: criteria provided, multiple submitters, no conflicts (2 of 4 stars). 3 submissions from 3 submitters: Uncertain significance (3). Last evaluated 2023-05-12.

Conditions:
Inborn genetic diseases. Identifiers: MedGen C0950123, MeSH D030342.

Allele frequency attached by ClinVar (database versions not stated): TOPMed below 0.00001; gnomAD 0.00001; gnomAD exomes 0.00001.

Submissions (3):

GeneDx
Classification: Uncertain significance. Last evaluated: 2023-05-12. Review status: criteria provided, single submitter. Criteria: GeneDx Variant Classification Process June 2021. Collection method: clinical testing. Allele origin: germline. Affected: yes.
Comment: Not observed at significant frequency in large population cohorts (gnomAD); In silico analysis supports that this missense variant has a deleterious effect on protein structure/function; Has not been previously published as pathogenic or benign to our knowledge

Ambry Genetics
Classification: Uncertain significance for Inborn genetic diseases. Last evaluated: 2022-06-30. Review status: criteria provided, single submitter. Criteria: Ambry Variant Classification Scheme 2023. Collection method: clinical testing. Allele origin: germline.

Blueprint Genetics
Classification: Uncertain significance. Last evaluated: 2021-05-04. Review status: criteria provided, single submitter. Criteria: ACMG Guidelines, 2015. Collection method: clinical testing. Allele origin: germline.